The following is an entry in ClinVar:

ClinVar aggregate classification (germline): Likely benign (0 of 4 stars; one submission).

Conditions:
LRP1-related disorder. Also called: LRP1-related condition.

Allele frequency attached by ClinVar (database versions not stated): ExAC 0.00001; TOPMed 0.00002; gnomAD 0.00003; gnomAD exomes 0.00003.
gnomAD v4.1: 46 of 1,613,962 alleles (0.0029%); highest among the groups gnomAD compares: Middle Eastern, 0.016%; no homozygotes.

Submission:

PreventionGenetics, part of Exact Sciences
Classification: Likely benign for LRP1-related condition. Last evaluated: 2019-07-30. Review status: no assertion criteria provided. Collection method: clinical testing. Allele origin: germline.
Comment: This variant is classified as likely benign based on ACMG/AMP sequence variant interpretation guidelines (Richards et al. 2015 PMID: 25741868, with internal and published modifications).

NM_002332.3(LRP1):c.5448C>T (p.Asp1816=)

Gene: LRP1 (LDL receptor related protein 1; plus strand). Cytogenetic location: 12q13.3.
Variant type: single nucleotide variant.
Coding change: c.5448C>T on transcript NM_002332.3 (MANE Select); coding-DNA position 5448, C replaced by T.
Protein change: p.Asp1816=; no amino-acid change (aspartic acid 1816 retained).
Molecular consequence: synonymous variant.
Genome position (GRCh38, 1-based): chr12:57,180,728, C>T. VCF-style: chr12-57180728-C-T. GRCh37 (hg19) VCF-style: chr12-57574511-C-T.
Identifiers: ClinVar variation 3034849 (VCV003034849.2), dbSNP rs757521900, ClinGen allele CA6643518.